The following is an entry in ClinVar:

ClinVar aggregate classification (germline): Uncertain significance (1 of 4 stars; one submission).

Conditions:
Peroxisome biogenesis disorder 9B. Also called: PEX7-Related Refsum Disease; Refsum disease, adult, 2; PEROXISOME BIOGENESIS DISORDER, PEX7-RELATED, ATYPICAL. Identifiers: Orphanet 773, MedGen C2749346, MONDO:0013945, OMIM 614879.

Allele frequency attached by ClinVar (database versions not stated): gnomAD exomes below 0.00001.
gnomAD v4.1: 2 of 1,612,954 alleles (0.00012%); highest among the groups gnomAD compares: African/African-American, 0.0013%; no homozygotes.

Submission:

Labcorp Genetics (formerly Invitae), Labcorp
Classification: Uncertain significance for Peroxisome biogenesis disorder 9B. Last evaluated: 2022-04-01. Review status: criteria provided, single submitter. Criteria: Invitae Variant Classification Sherloc (09022015). Collection method: clinical testing. Allele origin: germline.
Comment: Algorithms developed to predict the effect of missense changes on protein structure and function (SIFT, PolyPhen-2, Align-GVGD) all suggest that this variant is likely to be disruptive. In summary, the available evidence is currently insufficient to determine the role of this variant in disease. Therefore, it has been classified as a Variant of Uncertain Significance. This variant has not been reported in the literature in individuals affected with PEX7-related conditions. This sequence change replaces proline, which is neutral and non-polar, with histidine, which is basic and polar, at codon 165 of the PEX7 protein (p.Pro165His). This variant is not present in population databases (gnomAD no frequency).

NM_000288.4(PEX7):c.494C>A (p.Pro165His)

Gene: PEX7 (peroxisomal biogenesis factor 7; plus strand). Cytogenetic location: 6q23.3.
Variant type: single nucleotide variant.
Coding change: c.494C>A on transcript NM_000288.4 (MANE Select); coding-DNA position 494, C replaced by A.
Protein change: p.Pro165His; replaces proline 165 with histidine.
Molecular consequence: missense variant.
Genome position (GRCh38, 1-based): chr6:136,846,149, C>A. VCF-style: chr6-136846149-C-A. GRCh37 (hg19) VCF-style: chr6-137167287-C-A.
Other names: c.380C>A, p.Pro127His (NM_001410945.1); short protein forms P127H, P165H.
Identifiers: ClinVar variation 1943616 (VCV001943616.5), dbSNP rs2548082717, ClinGen allele CA365857290.